The following is an entry in ClinVar:

NM_000390.4(CHM):c.1861T>A (p.Leu621Ile)

Gene: CHM (CHM Rab escort protein; minus strand). Cytogenetic location: Xq21.2.
Variant type: single nucleotide variant.
Coding change: c.1861T>A on transcript NM_000390.4 (MANE Select); coding-DNA position 1861, T replaced by A.
Protein change: p.Leu621Ile; replaces leucine 621 with isoleucine.
Molecular consequence: missense variant.
Genome position (GRCh38, 1-based): chrX:85,864,731, A>T on the plus strand (T>A on the coding strand, the complement: CHM is on the minus strand). VCF-style: chrX-85864731-A-T. GRCh37 (hg19) VCF-style: chrX-85119736-A-T.
Other names: c.1417T>A, p.Leu473Ile (NM_001320959.1, NM_001362517.1, NM_001362518.2 and 1 more transcripts); short protein forms L473I, L621I.
Identifiers: ClinVar variation 3664948 (VCV003664948.2).

ClinVar aggregate classification (germline): Uncertain significance (1 of 4 stars; one submission).

Submission:

Labcorp Genetics (formerly Invitae), Labcorp
Classification: Uncertain significance. Last evaluated: 2024-08-31. Review status: criteria provided, single submitter. Criteria: Invitae Variant Classification Sherloc (09022015). Collection method: clinical testing. Allele origin: germline.
Comment: This sequence change replaces leucine, which is neutral and non-polar, with isoleucine, which is neutral and non-polar, at codon 621 of the CHM protein (p.Leu621Ile). This variant is not present in population databases (gnomAD no frequency). This variant has not been reported in the literature in individuals affected with CHM-related conditions. Invitae Evidence Modeling of protein sequence and biophysical properties (such as structural, functional, and spatial information, amino acid conservation, physicochemical variation, residue mobility, and thermodynamic stability) indicates that this missense variant is not expected to disrupt CHM protein function with a negative predictive value of 80%. In summary, the available evidence is currently insufficient to determine the role of this variant in disease. Therefore, it has been classified as a Variant of Uncertain Significance.